The following is an entry in ClinVar:

ClinVar aggregate classification (germline): Uncertain significance. Review status: criteria provided, multiple submitters, no conflicts (2 of 4 stars). 2 submissions from 2 submitters: Uncertain significance (2). Last evaluated 2025-11-03.

Allele frequency attached by ClinVar (database versions not stated): gnomAD exomes below 0.00001; ExAC 0.00005; TOPMed 0.00010; gnomAD 0.00011; 1000 Genomes Project 30x 0.00016; 1000 Genomes Project 0.00020; ESP Exome Variant Server 0.00023.
gnomAD v4.1: 22 of 1,612,494 alleles (0.0014%); highest among the groups gnomAD compares: African/African-American, 0.023%; no homozygotes.

Submissions (2):

Ambry Genetics
Classification: Uncertain significance. Last evaluated: 2025-11-03. Review status: criteria provided, single submitter. Criteria: Ambry Variant Classification Scheme 2023. Collection method: clinical testing. Allele origin: germline.

Labcorp Genetics (formerly Invitae), Labcorp
Classification: Uncertain significance. Last evaluated: 2025-04-14. Review status: criteria provided, single submitter. Criteria: Invitae Variant Classification Sherloc (09022015). Collection method: clinical testing. Allele origin: germline.
Comment: This sequence change replaces phenylalanine, which is neutral and non-polar, with serine, which is neutral and polar, at codon 375 of the NAA35 protein (p.Phe375Ser). This variant is present in population databases (rs145858134, gnomAD 0.05%). This variant has not been reported in the literature in individuals affected with NAA35-related conditions. ClinVar contains an entry for this variant (Variation ID: 2200013). An algorithm developed to predict the effect of missense changes on protein structure and function (PolyPhen-2) suggests that this variant is likely to be tolerated. In summary, the available evidence is currently insufficient to determine the role of this variant in disease. Therefore, it has been classified as a Variant of Uncertain Significance.

NM_024635.4(NAA35):c.1124T>C (p.Phe375Ser)

Gene: NAA35 (N-alpha-acetyltransferase 35, NatC auxiliary subunit; plus strand). Cytogenetic location: 9q21.33.
Variant type: single nucleotide variant.
Coding change: c.1124T>C on transcript NM_024635.4 (MANE Select); coding-DNA position 1124, T replaced by C.
Protein change: p.Phe375Ser; replaces phenylalanine 375 with serine.
Molecular consequence: missense variant.
Genome position (GRCh38, 1-based): chr9:86,007,365, T>C. VCF-style: chr9-86007365-T-C. GRCh37 (hg19) VCF-style: chr9-88622280-T-C.
Other names: c.1124T>C, p.Phe375Ser (NM_001321881.2, NM_001321882.2); c.1124T>C (NM_024635.3); short protein forms F375S.
Identifiers: ClinVar variation 2200013 (VCV002200013.5), dbSNP rs145858134, ClinGen allele CA5107360.